The following is an entry in ClinVar:

ClinVar aggregate classification (germline): Likely pathogenic (1 of 4 stars; one submission).

Conditions:
SETD1A-related disorder. Also called: SETD1A-related condition.

Submission:

PreventionGenetics, part of Exact Sciences
Classification: Likely pathogenic for SETD1A-related condition. Last evaluated: 2022-08-24. Review status: criteria provided, single submitter. Criteria: ACMG Guidelines, 2015. Collection method: clinical testing. Allele origin: germline.
Comment: The SETD1A c.1961delC variant is predicted to result in a frameshift and premature protein termination (p.Pro654Argfs*7). To our knowledge, this variant has not been reported in the literature or in a large population database, indicating this variant is rare. Frameshift variants in SETD1A are expected to be pathogenic. This variant is interpreted as likely pathogenic.

NM_014712.3(SETD1A):c.1961del (p.Pro654fs)

Gene: SETD1A (SET domain containing 1A, histone lysine methyltransferase; plus strand). Cytogenetic location: 16p11.2.
Variant type: Deletion.
Coding change: c.1961del on transcript NM_014712.3 (MANE Select); coding-DNA position 1961, one base deleted (C; older notation c.1961delC).
Protein change: p.Pro654fs; shifts the reading frame from proline 654.
Molecular consequence: frameshift variant.
Genome position (GRCh38, 1-based): chr16:30,965,842, C deleted; the last of 5 consecutive C bases (chr16:30,965,838-30,965,842); deleting any one gives the same sequence. VCF-style (leftmost placement, unchanged base first): chr16-30965837-AC-A. GRCh37 (hg19) VCF-style: chr16-30977158-AC-A.
Other names: short protein forms P654fs.
Identifiers: ClinVar variation 2636473 (VCV002636473.1), dbSNP rs1567353500, ClinGen allele CA919688909.
Genomic context (GRCh38, chr16:30,965,837, plus strand): 5'-CCTCCTCCCACCCAGACCTGATGGGCCGCCGCCCCCTGAGTACCCCCCACCTCCTCCACC[AC>A]CCCCGCACATCTATGACTTTGTGAACTCCTTGGAGCTCATGGACCGACTTGGGGCTCAGT-3'